The following is an entry in ClinVar:

ClinVar aggregate classification (germline): Pathogenic/Likely pathogenic. Review status: criteria provided, multiple submitters, no conflicts (2 of 4 stars). 3 submissions from 3 submitters: Pathogenic (2); Likely pathogenic (1). Last evaluated 2025-10-07.

Conditions:
Usher syndrome. Also called: Usher Syndromes; Usher's syndrome. Identifiers: Orphanet 886, MedGen CN469326, MeSH D052245, MONDO:0019501. Disease mechanism: loss of function.
Retinitis pigmentosa 39 (RP39). Identifiers: Orphanet 791, MedGen C3151138, MONDO:0013436, OMIM 613809.
USH2A-related disorder. Also called: USH2A-related disorders; USH2A-related condition. Identifiers: MedGen CN239332.

Submissions (3):

Myriad Genetics, Inc.
Classification: Pathogenic for USH2A-related disorder. Last evaluated: 2025-10-07. Review status: criteria provided, single submitter. Criteria: Myriad Autosomal Dominant, Autosomal Recessive and X-Linked Classification Criteria (2023). Collection method: clinical testing. Allele origin: unknown.
Comment: NM_206933.2(USH2A):c.8668_8669dupAA(G2891Rfs*27) is a frameshift variant classified as pathogenic in the context of USH2A-related disorders. G2891Rfs*27 has not been observed in cases with relevant disease. Relevant functional assessments of this variant are not available in the literature. G2891Rfs*27 has not been observed in referenced population frequency databases. In summary, NM_206933.2(USH2A):c.8668_8669dupAA(G2891Rfs*27) is a frameshift variant in a gene where loss of function is a known mechanism of disease and is predicted to disrupt protein function. Please note: this variant was assessed in the context of healthy population screening.

Women's Health and Genetics/Laboratory Corporation of America, LabCorp
Classification: Pathogenic for Usher syndrome. Last evaluated: 2024-11-29. Review status: criteria provided, single submitter. Criteria: LabCorp Variant Classification Summary - May 2015. Collection method: clinical testing. Allele origin: germline.
Comment: Variant summary: USH2A c.8668_8669dupAA (p.Gly2891ArgfsX27) results in a premature termination codon, predicted to cause a truncation of the encoded protein or absence of the protein due to nonsense mediated decay, which are commonly known mechanisms for disease. The variant was absent in 251280 control chromosomes. To our knowledge, no occurrence of c.8668_8669dupAA in individuals affected with Usher Syndrome and no experimental evidence demonstrating its impact on protein function have been reported. ClinVar contains an entry for this variant (Variation ID: 2679556). Based on the evidence outlined above, the variant was classified as pathogenic.

Baylor Genetics
Classification: Likely pathogenic for Retinitis pigmentosa 39. Last evaluated: 2022-08-24. Review status: criteria provided, single submitter. Criteria: ACMG Guidelines, 2015. Collection method: clinical testing. Allele origin: unknown.

NM_206933.4(USH2A):c.8668_8669dup (p.Gly2891fs)

Gene: USH2A (usherin; minus strand). Cytogenetic location: 1q41.
Variant type: Duplication.
Coding change: c.8668_8669dup on transcript NM_206933.4 (MANE Select); coding-DNA positions 8668 to 8669, 2 bases duplicated (AA; older notation c.8668_8669dupAA).
Protein change: p.Gly2891fs; shifts the reading frame from glycine 2891.
Molecular consequence: frameshift variant.
Genome position (GRCh38, 1-based): chr1:215,877,770-215,877,771, TT duplicated on the plus strand (AA on the coding strand, the reverse complement: USH2A is on the minus strand). VCF-style (leftmost placement, unchanged base first): chr1-215877769-C-CTT. GRCh37 (hg19) VCF-style: chr1-216051111-C-CTT.
Other names: c.8668_8669dupAA (NM_206933.4); short protein forms G2891fs.
Identifiers: ClinVar variation 2679556 (VCV002679556.4), dbSNP rs2464713052, ClinGen allele CA2695199996.
Genomic context (GRCh38, chr1:215,877,769, plus strand): 5'-GCCCAGAACTAAATGCCAGCATTTGTTTTTATAGTTTTTGTAATCTCACCTGCTAAGACC[C>CTT]TTATCTTCATAAAGCCACTGAGTTCCTGAATAAATATTGTGCCACCGATTTAAATCTTCT-3'